The following is an entry in ClinVar:

NM_000350.3(ABCA4):c.5756A>T (p.Asp1919Val)

Gene: ABCA4 (ATP binding cassette subfamily A member 4; minus strand). Cytogenetic location: 1p22.1.
Variant type: single nucleotide variant.
Coding change: c.5756A>T on transcript NM_000350.3 (MANE Select); coding-DNA position 5756, A replaced by T.
Protein change: p.Asp1919Val; replaces aspartic acid 1919 with valine.
Molecular consequence: missense variant.
Genome position (GRCh38, 1-based): chr1:94,008,830, T>A on the plus strand (A>T on the coding strand, the complement: ABCA4 is on the minus strand). VCF-style: chr1-94008830-T-A. GRCh37 (hg19) VCF-style: chr1-94474386-T-A.
Other names: c.5534A>T, p.Asp1845Val (NM_001425324.1); short protein forms D1919V, D1845V.
Identifiers: ClinVar variation 2098830 (VCV002098830.4), dbSNP rs2523649012, ClinGen allele CA341280408.

ClinVar aggregate classification (germline): Uncertain significance (1 of 4 stars; one submission).

Submission:

Labcorp Genetics (formerly Invitae), Labcorp
Classification: Uncertain significance. Last evaluated: 2022-02-18. Review status: criteria provided, single submitter. Criteria: Invitae Variant Classification Sherloc (09022015). Collection method: clinical testing. Allele origin: germline.
Comment: In summary, the available evidence is currently insufficient to determine the role of this variant in disease. Therefore, it has been classified as a Variant of Uncertain Significance. Advanced modeling of protein sequence and biophysical properties (such as structural, functional, and spatial information, amino acid conservation, physicochemical variation, residue mobility, and thermodynamic stability) performed at Invitae indicates that this missense variant is not expected to disrupt ABCA4 protein function. This variant has not been reported in the literature in individuals affected with ABCA4-related conditions. This variant is not present in population databases (gnomAD no frequency). This sequence change replaces aspartic acid, which is acidic and polar, with valine, which is neutral and non-polar, at codon 1919 of the ABCA4 protein (p.Asp1919Val).